The following is an entry in ClinVar:

NM_002354.3(EPCAM):c.217A>G (p.Met73Val)

Gene: EPCAM (epithelial cell adhesion molecule; plus strand). Cytogenetic location: 2p21.
Variant type: single nucleotide variant.
Coding change: c.217A>G on transcript NM_002354.3 (MANE Select); coding-DNA position 217, A replaced by G.
Protein change: p.Met73Val; replaces methionine 73 with valine.
Molecular consequence: missense variant.
Genome position (GRCh38, 1-based): chr2:47,373,840, A>G. VCF-style: chr2-47373840-A-G. GRCh37 (hg19) VCF-style: chr2-47600979-A-G.
Other names: short protein forms M73V.
Identifiers: ClinVar variation 4249663 (VCV004249663.1).

ClinVar aggregate classification (germline): Uncertain significance (1 of 4 stars; one submission).

Conditions:
Hereditary cancer-predisposing syndrome. Also called: Hereditary Cancer Syndrome; Hereditary neoplastic syndrome; Neoplastic Syndromes, Hereditary; Tumor predisposition. Identifiers: Orphanet 140162, MedGen C0027672, MeSH D009386, MONDO:0015356.

Submission:

Ambry Genetics
Classification: Uncertain significance for Hereditary cancer-predisposing syndrome. Last evaluated: 2025-07-09. Review status: criteria provided, single submitter. Criteria: Ambry Variant Classification Scheme 2023. Collection method: clinical testing. Allele origin: germline.
Comment: The p.M73V variant (also known as c.217A>G), located in coding exon 3 of the EPCAM gene, results from an A to G substitution at nucleotide position 217. The methionine at codon 73 is replaced by valine, an amino acid with highly similar properties. This amino acid position is conserved. In addition, this alteration is predicted to be tolerated by in silico analysis. Based on the available evidence, the clinical significance of this variant remains unclear.